The following is an entry in ClinVar:

NM_004444.5(EPHB4):c.1423-6G>A

Gene: EPHB4 (EPH receptor B4; minus strand). Cytogenetic location: 7q22.1.
Variant type: single nucleotide variant.
Coding change: c.1423-6G>A on transcript NM_004444.5 (MANE Select); 6 bases into the intron before coding-DNA position 1423, G replaced by A.
Molecular consequence: intron variant.
Genome position (GRCh38, 1-based): chr7:100,817,363, C>T on the plus strand (G>A on the coding strand, the complement: EPHB4 is on the minus strand). VCF-style: chr7-100817363-C-T. GRCh37 (hg19) VCF-style: chr7-100414985-C-T.
Other names: c.1423-6G>A (NM_004444.4).
Identifiers: ClinVar variation 994305 (VCV000994305.16), dbSNP rs762817852, ClinGen allele CA4392981.

ClinVar aggregate classification (germline): Conflicting classifications of pathogenicity. Review status: criteria provided, conflicting classifications (1 of 4 stars). 5 submissions from 5 submitters: Pathogenic (2); Likely pathogenic (2); Uncertain significance (1). Last evaluated 2026-04-02.

Conditions:
Cardiovascular phenotype. Identifiers: MedGen CN230736.
Hereditary lymphedema type I (LMPHM1). Also called: Milroy Disease; Nonne-Milroy disease; Congenital hereditary lymphedema; Early onset lymphedema; Hereditary lymphedema 1; Primary congenital lymphedema. Identifiers: Orphanet 79452, MedGen C1704423, MONDO:0007919, OMIM 153100.

Allele frequency attached by ClinVar (database versions not stated): ExAC below 0.00001.

Submissions (5):

Ambry Genetics
Classification: Uncertain significance for Cardiovascular phenotype. Last evaluated: 2026-04-02. Review status: criteria provided, single submitter. Criteria: Ambry Variant Classification Scheme 2023. Collection method: clinical testing. Allele origin: germline.
Comment: The c.1423-6G>A intronic variant consists of a G to A substitution 6 nucleotides before exon 8 (coding exon 8) of the EPHB4 gene. This variant was not reported in population-based cohorts in the Genome Aggregation Database (gnomAD). This variant was reported in individual(s) with features consistent with EPHB4-related vascular disorder; in at least one individual, it was determined to be de novo (Amyere, 2017; Wooderchak-Donahue, 2019). This nucleotide position is not well conserved in available vertebrate species. In silico splice site analysis predicts that this alteration will result in the creation or strengthening of a novel splice acceptor site. Based on insufficient or conflicting evidence, the clinical significance of this alteration remains unclear.

Labcorp Genetics (formerly Invitae), Labcorp
Classification: Likely pathogenic. Last evaluated: 2025-09-10. Review status: criteria provided, single submitter. Criteria: Invitae Variant Classification Sherloc (09022015). Collection method: clinical testing. Allele origin: germline.
Comment: This sequence change falls in intron 7 of the EPHB4 gene. It does not directly change the encoded amino acid sequence of the EPHB4 protein. This variant is not present in population databases (gnomAD no frequency). This variant has been observed in individual(s) with clinical features of EPHB4-related conditions (PMID: 28687708, 30760892). In at least one individual the variant was observed to be de novo. ClinVar contains an entry for this variant (Variation ID: 994305). Algorithms developed to predict the effect of sequence changes on RNA splicing suggest that this variant may disrupt the consensus splice site. In summary, the currently available evidence indicates that the variant is pathogenic, but additional data are needed to prove that conclusively. Therefore, this variant has been classified as Likely Pathogenic.

Clinical Genetics Laboratory, Skane University Hospital Lund
Classification: Pathogenic. Last evaluated: 2022-05-27. Review status: criteria provided, single submitter. Criteria: ACMG Guidelines, 2015. Collection method: clinical testing. Allele origin: germline. Affected: yes.

ARUP Laboratories, Molecular Genetics and Genomics, ARUP Laboratories
Classification: Pathogenic. Last evaluated: 2020-02-21. Review status: criteria provided, single submitter. Criteria: ARUP Molecular Germline Variant Investigation Process. Collection method: clinical testing. Allele origin: germline.
Comment: The EPHB4 c.1423-6G>A variant (rs762817852) is reported in the literature in individuals affected with capillary malformation-arteriovenous malformation 2, including one de novo occurence (Amyere 2017, Wooderchak-Donahue 2019). This variant is absent from general population databases (Exome Variant Server, Genome Aggregation Database), indicating it is not a common polymorphism. This is an intronic variant in a weakly conserved nucleotide, but computational analyses (Alamut v.2.11) predict that this variant may impact splicing by creating a novel cryptic acceptor splice site. Functional analyses demonstrate mRNA with an insertion of 4 nucleotides of intronic sequence resulting in a frameshift (p.Gly475Thrfs*39) (Amyere 2017). Based on available information, this variant is considered to be pathogenic. References: Amyere M et al. Germline Loss-of-Function Mutations in EPHB4 Cause a Second Form of Capillary Malformation-Arteriovenous Malformation (CM-AVM2) Deregulating RAS-MAPK Signaling. Circulation. 2017 Sep 12;136(11):1037-1048. Wooderchak-Donahue WL et al. Phenotype of CM-AVM2 caused by variants in EPHB4: how much overlap with hereditary hemorrhagic telangiectasia (HHT)? Genet Med. 2019 Sep;21(9):2007-2014.

Centre de Biologie Pathologie Génétique, Centre Hospitalier Universitaire de Lille
Classification: Likely pathogenic for Hereditary lymphedema type I. Review status: criteria provided, single submitter. Criteria: ACMG Guidelines, 2015. Collection method: clinical testing. Allele origin: inherited. Affected: yes.

Literature cited by the submitters: PubMed 28687708 (cited by Ambry Genetics and Labcorp Genetics (formerly Invitae), Labcorp); PubMed 30760892 (cited by Ambry Genetics and Labcorp Genetics (formerly Invitae), Labcorp).